The following is an entry in ClinVar:

ClinVar aggregate classification (germline): Likely benign (1 of 4 stars; one submission).

Submission:

CeGaT Center for Human Genetics Tuebingen
Classification: Likely benign. Last evaluated: 2024-02-01. Review status: criteria provided, single submitter. Criteria: CeGaT Center For Human Genetics Tuebingen Variant Classification Criteria Version 2. Collection method: clinical testing. Allele origin: germline. Affected: yes. Observed: 1 variant allele.
Comment: ADGRL1: BP4, BP7

NM_014921.5(ADGRL1):c.2529T>G (p.Arg843=)

Genes: ADGRL1 (adhesion G protein-coupled receptor L1; minus strand), ADGRL1-AS1 (ADGRL1 antisense RNA 1; plus strand). Cytogenetic location: 19p13.12.
Variant type: single nucleotide variant.
Coding change: c.2529T>G on transcript NM_014921.5 (MANE Select); coding-DNA position 2529, T replaced by G.
Protein change: p.Arg843=; no amino-acid change (arginine 843 retained).
Molecular consequence: synonymous variant.
Genome position (GRCh38, 1-based): chr19:14,157,888, A>C on the plus strand (T>G on the coding strand, the complement: ADGRL1 is on the minus strand). VCF-style: chr19-14157888-A-C. GRCh37 (hg19) VCF-style: chr19-14268700-A-C.
Other names: c.2544T>G, p.Arg848= (NM_001008701.3).
Identifiers: ClinVar variation 3025818 (VCV003025818.22), dbSNP rs1968935245, ClinGen allele CA505681653.